The following is an entry in ClinVar:

NM_001256714.1(DNAAF3):c.11T>G (p.Leu4Trp)

Genes: DNAAF3 (dynein axonemal assembly factor 3; minus strand), DNAAF3-AS1 (DNAAF3 antisense RNA 1; plus strand). Cytogenetic location: 19q13.42.
Variant type: single nucleotide variant.
Coding change: c.11T>G on transcript NM_001256714.1; coding-DNA position 11, T replaced by G.
Protein change: p.Leu4Trp; replaces leucine 4 with tryptophan.
Molecular consequence: missense variant.
Genome position (GRCh38, 1-based): chr19:55,166,638, A>C on the plus strand (T>G on the coding strand, the complement: DNAAF3 is on the minus strand). VCF-style: chr19-55166638-A-C. GRCh37 (hg19) VCF-style: chr19-55678006-A-C.
Other names: c.11T>G, p.Leu4Trp (NM_178837.4); short protein forms L4W.
Identifiers: ClinVar variation 4679206 (VCV004679206.1).

ClinVar aggregate classification (germline): Uncertain significance (1 of 4 stars; one submission).

Conditions:
Primary ciliary dyskinesia. Also called: Ciliary dyskinesia. Identifiers: Orphanet 244, MedGen C0008780, MONDO:0016575, HP:0012265.

Submission:

Ambry Genetics
Classification: Uncertain significance for Primary ciliary dyskinesia. Last evaluated: 2025-10-10. Review status: criteria provided, single submitter. Criteria: Ambry Variant Classification Scheme 2023. Collection method: clinical testing. Allele origin: germline.
Comment: The p.L4W variant (also known as c.11T>G), located in coding exon 1 of the DNAAF3 gene, results from a T to G substitution at nucleotide position 11. The leucine at codon 4 is replaced by tryptophan, an amino acid with similar properties. This amino acid position is conserved. In addition, this alteration is predicted to be tolerated by in silico analysis. Based on the available evidence, the clinical significance of this variant remains unclear.